The following is an entry in ClinVar:

ClinVar aggregate classification (germline): Likely benign. Review status: criteria provided, multiple submitters, no conflicts (2 of 4 stars). 3 submissions from 3 submitters: Likely benign (2). 1 of the submissions does not count toward it. Last evaluated 2025-10-07.

Conditions:
P3H2-related disorder. Also called: P3H2-related condition.

gnomAD v4.1: 73 of 1,614,054 alleles (0.0045%); highest among the groups gnomAD compares: South Asian, 0.016%; no homozygotes.

Submissions (3):

Labcorp Genetics (formerly Invitae), Labcorp
Classification: Likely benign. Last evaluated: 2025-10-07. Review status: criteria provided, single submitter. Criteria: Invitae Variant Classification Sherloc (09022015). Collection method: clinical testing. Allele origin: germline.

Blueprint Genetics
Classification: Likely benign. Last evaluated: 2024-11-25. Review status: criteria provided, single submitter. Criteria: ACMG Guidelines, 2015. Collection method: clinical testing. Allele origin: germline.

PreventionGenetics, part of Exact Sciences
Classification: Likely benign for P3H2-related condition. Last evaluated: 2024-05-06. Review status: no assertion criteria provided. Collection method: clinical testing. Allele origin: germline. Not counted in ClinVar's aggregate classification.
Comment: This variant is classified as likely benign based on ACMG/AMP sequence variant interpretation guidelines (Richards et al. 2015 PMID: 25741868, with internal and published modifications).

NM_018192.4(P3H2):c.1356C>T (p.Phe452=)

Gene: P3H2 (prolyl 3-hydroxylase 2; minus strand). Cytogenetic location: 3q28.
Variant type: single nucleotide variant.
Coding change: c.1356C>T on transcript NM_018192.4 (MANE Select); coding-DNA position 1356, C replaced by T.
Protein change: p.Phe452=; no amino-acid change (phenylalanine 452 retained).
Molecular consequence: synonymous variant.
Genome position (GRCh38, 1-based): chr3:189,974,654, G>A on the plus strand (C>T on the coding strand, the complement: P3H2 is on the minus strand). VCF-style: chr3-189974654-G-A. GRCh37 (hg19) VCF-style: chr3-189692443-G-A.
Other names: c.813C>T, p.Phe271= (NM_001134418.2).
Identifiers: ClinVar variation 74996 (VCV000074996.9), dbSNP rs267599731, ClinGen allele CA2752962.